The following is an entry in ClinVar:

NM_004100.5(EYA4):c.1547C>T (p.Ala516Val)

Genes: TARID (TCF21 antisense RNA inducing promoter demethylation; minus strand), EYA4 (EYA transcriptional coactivator and phosphatase 4; plus strand). Cytogenetic location: 6q23.2.
Variant type: single nucleotide variant.
Coding change: c.1547C>T on transcript NM_004100.5 (MANE Select); coding-DNA position 1547, C replaced by T.
Protein change: p.Ala516Val; replaces alanine 516 with valine.
Molecular consequence: missense variant.
Genome position (GRCh38, 1-based): chr6:133,515,366, C>T. VCF-style: chr6-133515366-C-T. GRCh37 (hg19) VCF-style: chr6-133836504-C-T.
Other names: c.1385C>T, p.Ala462Val (NM_001301012.2); c.1565C>T, p.Ala522Val (NM_001301013.2); c.1478C>T, p.Ala493Val (NM_001370458.1, NM_172103.4); c.1403C>T, p.Ala468Val (NM_001370459.1); c.1547C>T, p.Ala516Val (NM_172105.4); short protein forms A516V, A522V, A462V, A468V, A493V.
Identifiers: ClinVar variation 1434519 (VCV001434519.8), dbSNP rs2128790097, ClinGen allele CA365695410.
Genomic context (GRCh38, chr6:133,515,366, plus strand): 5'-TTTTTGGTGTTGCAGGACTCCTTGGCCCTGCCAAGAGGGATGCCTGGCTACAGTTAAGGG[C>T]AGAGATTGAAGGTCTGACAGATTCCTGGCTAACAAATGCACTTAAGTCTTTATCAATTAT-3'
Protein context (NP_004091.3, residues 506-526): AKRDAWLQLR[Ala516Val]EIEGLTDSWL

ClinVar aggregate classification (germline): Uncertain significance (1 of 4 stars; one submission).

Conditions:
Dilated cardiomyopathy 1J (CMD1J). Also called: CARDIOMYOPATHY, DILATED, WITH SENSORINEURAL HEARING LOSS, AUTOSOMAL DOMINANT. Identifiers: Orphanet 217622, MedGen C1854368, MONDO:0011541, OMIM 605362.

Allele frequency attached by ClinVar (database versions not stated): gnomAD exomes below 0.00001.
gnomAD v4.1: 4 of 1,613,742 alleles (0.00025%); highest among the groups gnomAD compares: South Asian, 0.0044%; no homozygotes.

Submission:

Labcorp Genetics (formerly Invitae), Labcorp
Classification: Uncertain significance for Dilated cardiomyopathy 1J. Last evaluated: 2024-10-26. Review status: criteria provided, single submitter. Criteria: Invitae Variant Classification Sherloc (09022015). Collection method: clinical testing. Allele origin: germline.
Comment: This sequence change replaces alanine, which is neutral and non-polar, with valine, which is neutral and non-polar, at codon 516 of the EYA4 protein (p.Ala516Val). This variant is not present in population databases (gnomAD no frequency). This variant has not been reported in the literature in individuals affected with EYA4-related conditions. ClinVar contains an entry for this variant (Variation ID: 1434519). Invitae Evidence Modeling of protein sequence and biophysical properties (such as structural, functional, and spatial information, amino acid conservation, physicochemical variation, residue mobility, and thermodynamic stability) indicates that this missense variant is not expected to disrupt EYA4 protein function with a negative predictive value of 80%. In summary, the available evidence is currently insufficient to determine the role of this variant in disease. Therefore, it has been classified as a Variant of Uncertain Significance.